The following is an entry in ClinVar:

NM_001164508.2(NEB):c.25564G>A (p.Val8522Ile)

Genes: NEB (nebulin; minus strand), RIF1 (replication timing regulatory factor 1; plus strand). Cytogenetic location: 2q23.3.
Variant type: single nucleotide variant.
Coding change: c.25564G>A on transcript NM_001164508.2 (MANE Select); coding-DNA position 25564, G replaced by A.
Protein change: p.Val8522Ile; replaces valine 8522 with isoleucine.
Molecular consequence: missense variant.
Genome position (GRCh38, 1-based): chr2:151,485,774, C>T on the plus strand (G>A on the coding strand, the complement: NEB is on the minus strand). VCF-style: chr2-151485774-C-T. GRCh37 (hg19) VCF-style: chr2-152342288-C-T.
Other names: c.25564G>A, p.Val8522Ile (NM_001164507.2); c.25669G>A, p.Val8557Ile (NM_001271208.2); c.19996G>A, p.Val6666Ile (NM_004543.5); short protein forms V6666I, V8557I, V8522I.
Identifiers: ClinVar variation 331400 (VCV000331400.23), dbSNP rs117861109, ClinGen allele CA1905678.

ClinVar aggregate classification (germline): Conflicting classifications of pathogenicity. Review status: criteria provided, conflicting classifications (1 of 4 stars). 6 submissions from 6 submitters: Uncertain significance (1); Likely benign (3). 2 of the submissions do not count toward it. Last evaluated 2026-02-19.

Conditions:
NEB-related disorder. Also called: NEB-Related Disorders; NEB-related condition.
Nemaline myopathy 2 (NEM2). Also called: Nemaline myopathy 2, autosomal recessive. Identifiers: MedGen C1850569, MONDO:0009725, OMIM 256030.

Allele frequency attached by ClinVar (database versions not stated): gnomAD 0.00010 and 0.00014; TOPMed 0.00012; gnomAD exomes 0.00015 and 0.00044; ExAC 0.00034; 1000 Genomes Project 30x 0.00062; 1000 Genomes Project 0.00080.
gnomAD v4.1: 242 of 1,610,634 alleles (0.015%); highest among the groups gnomAD compares: East Asian, 0.42%; 1 homozygote.

Submissions (6):

Women's Health and Genetics/Laboratory Corporation of America, LabCorp
Classification: Likely benign. Last evaluated: 2026-02-19. Review status: criteria provided, single submitter. Criteria: LabCorp Variant Classification Summary - May 2015. Collection method: clinical testing. Allele origin: germline.
Comment: Variant summary: NEB c.25669G>A (p.Val8557Ile) results in a conservative amino acid change in the encoded protein sequence. Algorithms developed to predict the effect of missense changes on protein structure and function are either unavailable or do not agree on the potential impact of this missense change. The variant allele was found at a frequency of 0.00044 in 247492 control chromosomes, predominantly at a frequency of 0.0053 within the East Asian subpopulation in the gnomAD database. The observed variant frequency within East Asian control individuals in the gnomAD database exceeds the estimated maximal expected allele frequency for disease-causing variants in NEB. To our knowledge, no occurrence of c.25669G>A in individuals affected with NEB-related conditions and no experimental evidence demonstrating its impact on protein function have been reported. ClinVar contains an entry for this variant (Variation ID: 331400). Based on the evidence outlined above, the variant was classified as likely benign.

Labcorp Genetics (formerly Invitae), Labcorp
Classification: Likely benign for Nemaline myopathy 2. Last evaluated: 2026-01-19. Review status: criteria provided, single submitter. Criteria: Invitae Variant Classification Sherloc (09022015). Collection method: clinical testing. Allele origin: germline.

GeneDx
Classification: Likely benign. Last evaluated: 2020-08-19. Review status: criteria provided, single submitter. Criteria: GeneDx Variant Classification Process June 2021. Collection method: clinical testing. Allele origin: germline. Affected: yes.

Illumina Laboratory Services, Illumina
Classification: Uncertain significance for Nemaline myopathy 2. Last evaluated: 2018-01-13. Review status: criteria provided, single submitter. Criteria: ICSL Variant Classification Criteria 13 December 2019. Collection method: clinical testing. Allele origin: germline.

PreventionGenetics, part of Exact Sciences
Classification: Likely benign for NEB-related condition. Last evaluated: 2020-09-30. Review status: no assertion criteria provided. Collection method: clinical testing. Allele origin: germline. Not counted in ClinVar's aggregate classification.
Comment: This variant is classified as likely benign based on ACMG/AMP sequence variant interpretation guidelines (Richards et al. 2015 PMID: 25741868, with internal and published modifications).

Natera, Inc.
Classification: Uncertain significance for Nemaline myopathy type 2. Last evaluated: 2020-01-17. Review status: no assertion criteria provided. Collection method: clinical testing. Allele origin: germline. Not counted in ClinVar's aggregate classification.